The following is an entry in ClinVar:

ClinVar aggregate classification (germline): Pathogenic/Likely pathogenic. Review status: criteria provided, multiple submitters, no conflicts (2 of 4 stars). 12 submissions from 12 submitters: Pathogenic (2); Likely pathogenic (10). Last evaluated 2026-07-28.

Conditions:
Inborn genetic diseases. Identifiers: MedGen C0950123, MeSH D030342.
Hypophosphatasia. Also called: Phosphoethanol-aminuria. Identifiers: Orphanet 436, MedGen C0020630, MeSH D007014, MONDO:0018570.
Adult hypophosphatasia. Identifiers: Orphanet 247676, Orphanet 436, MedGen C0268413, MONDO:1010154, OMIM 146300, MONDO:0007798.
Semidominant ALPL-related disorders.
ALPL-related disorder. Also called: ALPL-related condition; ALPL-related disorders.
Childhood hypophosphatasia. Identifiers: Orphanet 247667, Orphanet 436, MedGen C0220743, MONDO:1010168, OMIM 241510, MONDO:0009428.
Infantile hypophosphatasia. Identifiers: Orphanet 247651, Orphanet 436, MedGen C0268412, MONDO:1010169, OMIM 241500, MONDO:0009427.

gnomAD v4.1: 12 of 1,609,560 alleles (0.00075%); highest among the groups gnomAD compares: South Asian, 0.0011%; no homozygotes.

Submissions (12):

GeneDx
Classification: Likely pathogenic. Last evaluated: 2026-07-28. Review status: criteria provided, single submitter. Criteria: GeneDx Variant Classification Process June 2021. Collection method: clinical testing. Allele origin: germline.
Comment: Reported in childhood and adult cases of HPP in published literature (PMID: 28127875, 31077853); Not observed at significant frequency in large population cohorts (gnomAD); In silico analysis supports that this missense variant has a deleterious effect on protein structure/function; Also known as G456S; This variant is associated with the following publications: (PMID: 35320273, 31077853, 26783040, 38702915, 34662886, 34633109, 28127875, 39983296, 40428350, 10332035, 9781036, 32973344)

Ambry Genetics
Classification: Likely pathogenic for Inborn genetic diseases. Last evaluated: 2026-04-07. Review status: criteria provided, single submitter. Criteria: Ambry Variant Classification Scheme 2023. Collection method: clinical testing. Allele origin: germline.
Comment: The c.1417G>A (p.G473S) alteration is located in exon 12 (coding exon 11) of the ALPL gene. This alteration results from a G to A substitution at nucleotide position 1417, causing the glycine (G) at amino acid position 473 to be replaced by a serine (S). This variant was not reported in population-based cohorts in the Genome Aggregation Database (gnomAD). This variant has been identified in the homozygous state and/or in conjunction with other ALPL variant(s) in individual(s) with features consistent with ALPL-related hypophosphatasia; in at least one instance, the variants were identified in trans (Mornet, 1998; Martins, 2019). Other variant(s) at the same codon, c.1418G>A (p.G473D), have been identified in individual(s) with features consistent with ALPL-related hypophosphatasia (Nakamura-Utsunomiya, 2010). This amino acid position is highly conserved in available vertebrate species. This alteration is predicted to be deleterious by in silico analysis. Based on the available evidence, this alteration is classified as likely pathogenic.

Variantyx, Inc.
Classification: Likely pathogenic for Semidominant ALPL-related disorders. Last evaluated: 2025-12-12. Review status: criteria provided, single submitter. Criteria: Variantyx Assertion Criteria 2022. Collection method: clinical testing. Allele origin: germline. Inheritance: Semidominant inheritance.
Comment: This is a nonsynonymous variant in the ALPL gene (OMIM: 171760). Pathogenic variants in this gene have been associated with autosomal semidominant hypophosphatasia. This variant has been reported in the heterozygous or compound heterozygous state in at least four unrelated affected individuals (PMID: 31077853, 32973344, 9781036, 10332035) (PM3). This variant lies within a known hotspot for pathogenic variants or a well-established critical functional domain of the ALPL protein (PMID: 32160374, 31077853, 29236161, 11395499) (PM1). Multiple computational algorithms predict a deleterious effect for this variant (REVEL score: 0.963) (PP3_Moderate). This variant is absent from control populations (PM2_Supporting). Based on the current evidence, this variant is classified as likely pathogenic for autosomal semidominant ahypophosphatasia.

Women's Health and Genetics/Laboratory Corporation of America, LabCorp
Classification: Likely pathogenic for Hypophosphatasia. Last evaluated: 2025-09-22. Review status: criteria provided, single submitter. Criteria: LabCorp Variant Classification Summary - May 2015. Collection method: clinical testing. Allele origin: germline.
Comment: Variant summary: ALPL c.1417G>A (p.Gly473Ser) results in a non-conservative amino acid change in the encoded protein sequence. Algorithms developed to predict the effect of missense changes on protein structure and function all suggest that this variant is likely to be disruptive. The variant was absent in 244634 control chromosomes. c.1417G>A has been observed in compound heterozygous state in an infant affected with perinatal autosomal recessive Hypophosphatasia (Mornet_1998) and in compound heterozygous state in an individual with the adult-onset form of the disease (Martins_2019). The variant has also been reported in heterozygous individuals with clinical features of Hypophosphatasia, including low alkaline phosphatase levels, indicating that carriers of this variant can experience mild symptoms (Riancho-Zarrabeitia_2016, Tenorio_2017, Martins_2019). These data indicate that the variant is likely to be associated with disease. To our knowledge, no experimental evidence demonstrating an impact on protein function has been reported. The following publications have been ascertained in the context of this evaluation (PMID: 31077853, 9781036, 26783040, 28127875). ClinVar contains an entry for this variant (Variation ID: 845286). Based on the evidence outlined above, the variant was classified as likely pathogenic.

Genomenon, Inc
Classification: Likely pathogenic for Hypophosphatasia. Last evaluated: 2025-08-29. Review status: criteria provided, single submitter. Criteria: Genomenon Sequence Variant Interpretation Standards. Collection method: curation. Allele origin: germline. Affected: yes.
Comment: ALPL Gly473Ser (c.1417G>A) is a missense variant that changes the amino acid at residue 473 from Glycine to Serine. This variant has been observed in at least one proband affected with hypophosphatasia (PMID:26783040;9781036;31077853). The variant was found to segregate with disease in at least one affected family (PMID:31077853). It is absent or not present at a significant frequency in gnomAD. In silico models agree that this variant is possibly or probably damaging. In conclusion, we classify ALPL p.Gly473Ser (c.1417G>A) as a likely pathogenic variant.

Labcorp Genetics (formerly Invitae), Labcorp
Classification: Pathogenic. Last evaluated: 2025-08-11. Review status: criteria provided, single submitter. Criteria: Invitae Variant Classification Sherloc (09022015). Collection method: clinical testing. Allele origin: germline.
Comment: This sequence change replaces glycine, which is neutral and non-polar, with serine, which is neutral and polar, at codon 473 of the ALPL protein (p.Gly473Ser). This variant is not present in population databases (gnomAD no frequency). This missense change has been observed in individual(s) with clinical features of hypophosphatasia (PMID: 9781036, 28127875, 31077853). It has also been observed to segregate with disease in related individuals. ClinVar contains an entry for this variant (Variation ID: 845286). Invitae Evidence Modeling of protein sequence and biophysical properties (such as structural, functional, and spatial information, amino acid conservation, physicochemical variation, residue mobility, and thermodynamic stability) indicates that this missense variant is expected to disrupt ALPL protein function with a positive predictive value of 95%. For these reasons, this variant has been classified as Pathogenic.

Natera, Inc.
Classification: Likely pathogenic for Hypophosphatasia. Last evaluated: 2025-03-04. Review status: criteria provided, single submitter. Criteria: Natera Variant Classification Schema (03/2026). Collection method: clinical testing. Allele origin: germline.
Comment: The c.1417G>A variant in ALPL is a missense variant predicted to cause substitution of glycine to serine at amino acid 473. This variant is rare in the general population with a frequency below the threshold expected for the associated phenotype(s). This variant has been observed in one or more individuals affected with the associated recessive disease, as either homozygous or compound heterozygous with a second variant (PMID: 9781036, 31077853). Computational prediction algorithms indicate this variant is likely to affect gene or protein function. Given the available evidence, this variant is classified as Likely Pathogenic.

Revvity Omics, Revvity
Classification: Likely pathogenic. Last evaluated: 2024-11-21. Review status: criteria provided, single submitter. Criteria: ACMG Guidelines, 2015. Collection method: clinical testing. Allele origin: germline.

Baylor Genetics
Classification: Pathogenic for Adult hypophosphatasia. Last evaluated: 2024-03-09. Review status: criteria provided, single submitter. Criteria: ACMG Guidelines, 2015. Collection method: clinical testing. Allele origin: unknown.

Fulgent Genetics
Classification: Likely pathogenic for Adult hypophosphatasia; Infantile hypophosphatasia; Childhood hypophosphatasia. Last evaluated: 2024-01-29. Review status: criteria provided, single submitter. Criteria: ACMG Guidelines, 2015. Collection method: clinical testing. Allele origin: germline.

Blueprint Genetics
Classification: Likely pathogenic for ALPL-related disorders. Last evaluated: 2022-09-08. Review status: criteria provided, single submitter. Criteria: ACMG Guidelines, 2015. Collection method: clinical testing. Allele origin: germline. Affected: yes. Observed: 1 variant allele.

ARUP Laboratories, Molecular Genetics and Genomics, ARUP Laboratories
Classification: Likely pathogenic. Last evaluated: 2020-03-03. Review status: criteria provided, single submitter. Criteria: ARUP Molecular Germline Variant Investigation Process. Collection method: clinical testing. Allele origin: germline.
Comment: The ALPL c.1417G>A; p.Gly473Ser variant, also known as G456S, is reported in the literature in the compound heterozygous state in individuals affected with hypophosphatasia (Martins 2019, Mornet 1998). This variant is absent from general population databases (Exome Variant Server, Genome Aggregation Database), indicating it is not a common polymorphism. The glycine at codon 473 is highly conserved, and computational analyses (SIFT, PolyPhen-2) predict that this variant is deleterious. Based on available information, this variant is considered to be likely pathogenic. References: Martins L et al. A novel combination of biallelic ALPL mutations associated with adult hypophosphatasia: A phenotype-genotype association and computational analysis study. Bone. 2019 Aug;125:128-139. Mornet E et al. Identification of fifteen novel mutations in the tissue-nonspecific alkaline phosphatase (TNSALP) gene in European patients with severe hypophosphatasia. Eur J Hum Genet. 1998 Jul-Aug;6(4):308-14.

Literature cited by the submitters: PubMed 9781036 (cited by 6 submitters); PubMed 23926372 (cited by Ambry Genetics); PubMed 31077853 (cited by 6 submitters); PubMed 32973344 (cited by Variantyx, Inc.); PubMed 10332035 (cited by Variantyx, Inc.); PubMed 32160374 (cited by Variantyx, Inc.); PubMed 29236161 (cited by Variantyx, Inc.); PubMed 11395499 (cited by Variantyx, Inc.); PubMed 28127875 (cited by Women's Health and Genetics/Laboratory Corporation of America, LabCorp and Labcorp Genetics (formerly Invitae), Labcorp); PubMed 26783040 (cited by Women's Health and Genetics/Laboratory Corporation of America, LabCorp and Genomenon, Inc).

NM_000478.6(ALPL):c.1417G>A (p.Gly473Ser)

Gene: ALPL (alkaline phosphatase, biomineralization associated; plus strand). Cytogenetic location: 1p36.12.
Variant type: single nucleotide variant.
Coding change: c.1417G>A on transcript NM_000478.6 (MANE Select); coding-DNA position 1417, G replaced by A.
Protein change: p.Gly473Ser; replaces glycine 473 with serine.
Molecular consequence: missense variant.
Genome position (GRCh38, 1-based): chr1:21,577,490, G>A. VCF-style: chr1-21577490-G-A. GRCh37 (hg19) VCF-style: chr1-21903983-G-A.
Other names: c.1252G>A, p.Gly418Ser (NM_001127501.4); c.1186G>A, p.Gly396Ser (NM_001177520.3); c.1417G>A, p.Gly473Ser (NM_001369803.2, NM_001369804.2, NM_001369805.2); short protein forms G473S, G418S, G396S.
Identifiers: ClinVar variation 845286 (VCV000845286.27), dbSNP rs1644755212, ClinGen allele CA338882153.